The following is an entry in ClinVar:

ClinVar aggregate classification (germline): Uncertain significance. Review status: criteria provided, multiple submitters, no conflicts (2 of 4 stars). 3 submissions from 3 submitters: Uncertain significance (3). Last evaluated 2024-04-09.

Conditions:
Inborn genetic diseases. Identifiers: MedGen C0950123, MeSH D030342.
Autoinflammatory syndrome. Identifiers: Orphanet 93665, MedGen C3890737, MONDO:0019751.
Hermansky-Pudlak syndrome 2 (HPS2). Also called: Platelet defects and oculocutaneous albinism. Identifiers: Orphanet 183678, Orphanet 79430, MedGen C1842362, MONDO:0011997, OMIM 608233.

Allele frequency attached by ClinVar (database versions not stated): ExAC 0.00001; gnomAD exomes 0.00001.
gnomAD v4.1: 4 of 1,614,178 alleles (0.00025%); highest among the groups gnomAD compares: South Asian, 0.0044%; no homozygotes.

Submissions (3):

Ambry Genetics
Classification: Uncertain significance for Inborn genetic diseases. Last evaluated: 2024-04-09. Review status: criteria provided, single submitter. Criteria: Ambry Variant Classification Scheme 2023. Collection method: clinical testing. Allele origin: germline.

Labcorp Genetics (formerly Invitae), Labcorp
Classification: Uncertain significance for Hermansky-Pudlak syndrome 2. Last evaluated: 2024-02-17. Review status: criteria provided, single submitter. Criteria: Invitae Variant Classification Sherloc (09022015). Collection method: clinical testing. Allele origin: germline.
Comment: This sequence change replaces threonine, which is neutral and polar, with isoleucine, which is neutral and non-polar, at codon 1077 of the AP3B1 protein (p.Thr1077Ile). This variant is present in population databases (rs773537846, gnomAD 0.01%). This variant has not been reported in the literature in individuals affected with AP3B1-related conditions. ClinVar contains an entry for this variant (Variation ID: 947934). An algorithm developed to predict the effect of missense changes on protein structure and function (PolyPhen-2) suggests that this variant is likely to be disruptive. In summary, the available evidence is currently insufficient to determine the role of this variant in disease. Therefore, it has been classified as a Variant of Uncertain Significance.

Genome Diagnostics Laboratory, The Hospital for Sick Children
Classification: Uncertain significance for Autoinflammatory syndrome. Last evaluated: 2021-10-12. Review status: criteria provided, single submitter. Criteria: ACMG Guidelines, 2015. Collection method: clinical testing. Allele origin: germline. Affected: yes.

NM_003664.5(AP3B1):c.3230C>T (p.Thr1077Ile)

Gene: AP3B1 (adaptor related protein complex 3 subunit beta 1; minus strand). Cytogenetic location: 5q14.1.
Variant type: single nucleotide variant.
Coding change: c.3230C>T on transcript NM_003664.5 (MANE Select); coding-DNA position 3230, C replaced by T.
Protein change: p.Thr1077Ile; replaces threonine 1077 with isoleucine.
Molecular consequence: missense variant.
Genome position (GRCh38, 1-based): chr5:78,002,957, G>A on the plus strand (C>T on the coding strand, the complement: AP3B1 is on the minus strand). VCF-style: chr5-78002957-G-A. GRCh37 (hg19) VCF-style: chr5-77298781-G-A.
Other names: c.3083C>T, p.Thr1028Ile (NM_001271769.2); c.3230C>T (NM_003664.3); short protein forms T1028I, T1077I.
Identifiers: ClinVar variation 947934 (VCV000947934.12), dbSNP rs773537846, ClinGen allele CA3316525.